The following is an entry in ClinVar:

NM_015046.7(SETX):c.6792A>G (p.Ile2264Met)

Gene: SETX (senataxin; minus strand). Cytogenetic location: 9q34.13.
Variant type: single nucleotide variant.
Coding change: c.6792A>G on transcript NM_015046.7 (MANE Select); coding-DNA position 6792, A replaced by G.
Protein change: p.Ile2264Met; replaces isoleucine 2264 with methionine.
Molecular consequence: missense variant.
Genome position (GRCh38, 1-based): chr9:132,278,120, T>C on the plus strand (A>G on the coding strand, the complement: SETX is on the minus strand). VCF-style: chr9-132278120-T-C. GRCh37 (hg19) VCF-style: chr9-135153507-T-C.
Other names: c.6792A>G, p.Ile2264Met (NM_001351527.2, NM_001351528.2); short protein forms I2264M.
Identifiers: ClinVar variation 157524 (VCV000157524.7), dbSNP rs148041889, ClinGen allele CA270929.

ClinVar aggregate classification (germline): Uncertain significance. Review status: criteria provided, single submitter (1 of 4 stars). 2 submissions from 2 submitters: Uncertain significance (1). 1 of the submissions does not count toward it. Last evaluated 2022-10-25.

Conditions:
Charcot-Marie-Tooth disease. Also called: Charcot-Marie-Tooth Hereditary Neuropathy; Charcot-Marie-Tooth Neuropathy. Identifiers: Orphanet 166, MedGen C0007959, MONDO:0015626.
Amyotrophic lateral sclerosis type 4 (ALS4). Also called: AMYOTROPHIC LATERAL SCLEROSIS 4, JUVENILE; NEURONOPATHY, DISTAL HEREDITARY MOTOR, WITH PYRAMIDAL FEATURES. Identifiers: Orphanet 357043, MedGen C1865409, MONDO:0011223, OMIM 602433.
Spinocerebellar ataxia, autosomal recessive, with axonal neuropathy 2 (SCAN2). Also called: ATAXIA-OCULOMOTOR APRAXIA 2; Ataxia with Oculomotor Apraxia Type 2; Ataxia with Oculomotor Apraxia; Ataxia-ocular apraxia-2. Identifiers: Orphanet 64753, MedGen C1853761, MONDO:0018996, OMIM 606002.

Allele frequency attached by ClinVar (database versions not stated): gnomAD exomes below 0.00001 and 0.00001; ExAC 0.00002; TOPMed 0.00002; ESP Exome Variant Server 0.00015.
gnomAD v4.1: 3 of 1,614,150 alleles (0.00019%); highest among the groups gnomAD compares: Non-Finnish European, 0.000085%; no homozygotes.

Submissions (2):

Labcorp Genetics (formerly Invitae), Labcorp
Classification: Uncertain significance for Amyotrophic lateral sclerosis type 4; Spinocerebellar ataxia, autosomal recessive, with axonal neuropathy 2. Last evaluated: 2022-10-25. Review status: criteria provided, single submitter. Criteria: Invitae Variant Classification Sherloc (09022015). Collection method: clinical testing. Allele origin: germline.
Comment: This sequence change replaces isoleucine, which is neutral and non-polar, with methionine, which is neutral and non-polar, at codon 2264 of the SETX protein (p.Ile2264Met). This variant is present in population databases (rs148041889, gnomAD 0.007%). This missense change has been observed in individuals with clinical features of autosomal recessive spinocerebellar ataxia (PMID: 19696032, 25025039; Invitae). ClinVar contains an entry for this variant (Variation ID: 157524). Advanced modeling of protein sequence and biophysical properties (such as structural, functional, and spatial information, amino acid conservation, physicochemical variation, residue mobility, and thermodynamic stability) has been performed at Invitae for this missense variant, however the output from this modeling did not meet the statistical confidence thresholds required to predict the impact of this variant on SETX protein function. In summary, the available evidence is currently insufficient to determine the role of this variant in disease. Therefore, it has been classified as a Variant of Uncertain Significance.

Dept. of Medical Genetics, Telemark Hospital Trust, Telemark Hospital Trust
Classification: Uncertain significance for Charcot-Marie-Tooth disease. Last evaluated: 2013-11-01. Review status: no assertion criteria provided. Collection method: research. Allele origin: unknown. Affected: yes. Study: Charcot-Marie-Tooth disease study. Not counted in ClinVar's aggregate classification.
Comment: Populational based study of Charcot-Marie-Tooth disease in Norway

Literature cited by the submitters: PubMed 19696032 (cited by Labcorp Genetics (formerly Invitae), Labcorp); PubMed 25025039 (cited by Labcorp Genetics (formerly Invitae), Labcorp and Dept. of Medical Genetics, Telemark Hospital Trust, Telemark Hospital Trust); PMC 4306395 (cited by Dept. of Medical Genetics, Telemark Hospital Trust, Telemark Hospital Trust).